The following is an entry in ClinVar:

ClinVar aggregate classification (germline): Uncertain significance. Review status: criteria provided, multiple submitters, no conflicts (2 of 4 stars). 2 submissions from 2 submitters: Uncertain significance (2). Last evaluated 2024-05-25.

Conditions:
Developmental and epileptic encephalopathy, 12 (DEE12). Identifiers: MedGen C3150988, MONDO:0013389, OMIM 613722.

Allele frequency attached by ClinVar (database versions not stated): gnomAD 0.00001; gnomAD exomes 0.00001; TOPMed 0.00001; ExAC 0.00002; ESP Exome Variant Server 0.00008.

Submissions (2):

GeneDx
Classification: Uncertain significance. Last evaluated: 2024-05-25. Review status: criteria provided, single submitter. Criteria: GeneDx Variant Classification Process June 2021. Collection method: clinical testing. Allele origin: germline. Affected: yes.
Comment: Not observed at significant frequency in large population cohorts (gnomAD); In silico analysis supports that this missense variant has a deleterious effect on protein structure/function; Has not been previously published as pathogenic or benign to our knowledge; This variant is associated with the following publications: (PMID: 22508754)

Labcorp Genetics (formerly Invitae), Labcorp
Classification: Uncertain significance for Developmental and epileptic encephalopathy, 12. Last evaluated: 2022-03-09. Review status: criteria provided, single submitter. Criteria: Invitae Variant Classification Sherloc (09022015). Collection method: clinical testing. Allele origin: germline.
Comment: This sequence change replaces alanine, which is neutral and non-polar, with valine, which is neutral and non-polar, at codon 158 of the PNKP protein (p.Ala158Val). This variant is present in population databases (rs372615308, gnomAD 0.002%). This variant has not been reported in the literature in individuals affected with PNKP-related conditions. ClinVar contains an entry for this variant (Variation ID: 1312877). Algorithms developed to predict the effect of missense changes on protein structure and function (SIFT, PolyPhen-2, Align-GVGD) all suggest that this variant is likely to be tolerated. In summary, the available evidence is currently insufficient to determine the role of this variant in disease. Therefore, it has been classified as a Variant of Uncertain Significance.

NM_007254.4(PNKP):c.473C>T (p.Ala158Val)

Gene: PNKP (polynucleotide kinase 3'-phosphatase; minus strand). Cytogenetic location: 19q13.33.
Variant type: single nucleotide variant.
Coding change: c.473C>T on transcript NM_007254.4 (MANE Select); coding-DNA position 473, C replaced by T.
Protein change: p.Ala158Val; replaces alanine 158 with valine.
Molecular consequence: missense variant.
Genome position (GRCh38, 1-based): chr19:49,865,152, G>A on the plus strand (C>T on the coding strand, the complement: PNKP is on the minus strand). VCF-style: chr19-49865152-G-A. GRCh37 (hg19) VCF-style: chr19-50368409-G-A.
Other names: short protein forms A158V.
Identifiers: ClinVar variation 1312877 (VCV001312877.4), dbSNP rs372615308, ClinGen allele CA9586943.